The following is an entry in ClinVar:

ClinVar aggregate classification (germline): Uncertain significance (1 of 4 stars; one submission).

Conditions:
Neurodevelopmental disorder with or without hyperkinetic movements and seizures, autosomal dominant. Also called: Intellectual disability, autosomal dominant 8. Identifiers: MedGen C3280282, MONDO:0013655, OMIM 614254.

Submission:

Labcorp Genetics (formerly Invitae), Labcorp
Classification: Uncertain significance for Neurodevelopmental disorder with or without hyperkinetic movements and seizures, autosomal dominant. Last evaluated: 2023-05-03. Review status: criteria provided, single submitter. Criteria: Invitae Variant Classification Sherloc (09022015). Collection method: clinical testing. Allele origin: germline.
Comment: In summary, the available evidence is currently insufficient to determine the role of this variant in disease. Therefore, it has been classified as a Variant of Uncertain Significance. Advanced modeling of protein sequence and biophysical properties (such as structural, functional, and spatial information, amino acid conservation, physicochemical variation, residue mobility, and thermodynamic stability) has been performed at Invitae for this missense variant, however the output from this modeling did not meet the statistical confidence thresholds required to predict the impact of this variant on GRIN1 protein function. This variant has not been reported in the literature in individuals affected with GRIN1-related conditions. This variant is not present in population databases (gnomAD no frequency). This sequence change replaces proline, which is neutral and non-polar, with alanine, which is neutral and non-polar, at codon 98 of the GRIN1 protein (p.Pro98Ala).

NM_007327.4(GRIN1):c.292C>G (p.Pro98Ala)

Gene: GRIN1 (glutamate ionotropic receptor NMDA type subunit 1; plus strand). Cytogenetic location: 9q34.3.
Variant type: single nucleotide variant.
Coding change: c.292C>G on transcript NM_007327.4 (MANE Select); coding-DNA position 292, C replaced by G.
Protein change: p.Pro98Ala; replaces proline 98 with alanine.
Molecular consequence: missense variant.
Genome position (GRCh38, 1-based): chr9:137,142,046, C>G. VCF-style: chr9-137142046-C-G. GRCh37 (hg19) VCF-style: chr9-140036498-C-G.
Other names: c.292C>G, p.Pro98Ala (NM_000832.7, NM_001185090.2, NM_001185091.2 and 1 more transcripts); short protein forms P98A.
Identifiers: ClinVar variation 2861859 (VCV002861859.3), dbSNP rs1017162801, ClinGen allele CA201728513.